The following is an entry in ClinVar:

NM_000069.3(CACNA1S):c.373C>T (p.Leu125=)

Gene: CACNA1S (calcium voltage-gated channel subunit alpha1 S; minus strand). Cytogenetic location: 1q32.1.
Variant type: single nucleotide variant.
Coding change: c.373C>T on transcript NM_000069.3 (MANE Select); coding-DNA position 373, C replaced by T.
Protein change: p.Leu125=; no amino-acid change (leucine 125 retained).
Molecular consequence: synonymous variant.
Genome position (GRCh38, 1-based): chr1:201,093,907, G>A on the plus strand (C>T on the coding strand, the complement: CACNA1S is on the minus strand). VCF-style: chr1-201093907-G-A. GRCh37 (hg19) VCF-style: chr1-201063035-G-A.
Identifiers: ClinVar variation 506845 (VCV000506845.3), dbSNP rs1464376202, ClinGen allele CA422694748.

ClinVar aggregate classification (germline): Likely benign. Review status: criteria provided, multiple submitters, no conflicts (2 of 4 stars). 3 submissions from 3 submitters: Likely benign (3). Last evaluated 2026-01-04.

Conditions:
Hypokalemic periodic paralysis, type 1. Also called: HypoPP; Hypokalemic Periodic Paralysis Type 1 (AD). Identifiers: Orphanet 681, MedGen C3714580, MONDO:0042979, OMIM 170400.
Malignant hyperthermia, susceptibility to, 5 (MHS5). Also called: CACNA1S-Related Malignant Hyperthermia Susceptibility. Identifiers: Orphanet 423, MedGen C1866077, MONDO:0011163, OMIM 601887.

Allele frequency attached by ClinVar (database versions not stated): gnomAD exomes below 0.00001; TOPMed 0.00001.
gnomAD v4.1: 7 of 1,614,192 alleles (0.00043%); highest among the groups gnomAD compares: South Asian, 0.0011%; no homozygotes.

Submissions (3):

Labcorp Genetics (formerly Invitae), Labcorp
Classification: Likely benign for Hypokalemic periodic paralysis, type 1; Malignant hyperthermia, susceptibility to, 5. Last evaluated: 2026-01-04. Review status: criteria provided, single submitter. Criteria: Invitae Variant Classification Sherloc (09022015). Collection method: clinical testing. Allele origin: germline.

All of Us Research Program, National Institutes of Health
Classification: Likely benign for Malignant hyperthermia, susceptibility to, 5. Last evaluated: 2023-09-05. Review status: criteria provided, single submitter. Criteria: ACMG Guidelines, 2015. Collection method: clinical testing. Allele origin: germline. Inheritance: Autosomal dominant inheritance. Observed: 2 variant alleles, 2 heterozygotes.
Comment: This study involves interpretation of variants in research participants for the purpose of population health screening. Participant phenotype was not available at the time of variant classification. Additional details can be found in publication PMID: 35346344, PMCID: PMC8962531

GeneDx
Classification: Likely benign. Last evaluated: 2017-01-19. Review status: criteria provided, single submitter. Criteria: GeneDx Variant Classification (06012015). Collection method: clinical testing. Allele origin: germline. Affected: yes.
Comment: This variant is considered likely benign or benign based on one or more of the following criteria: it is a conservative change, it occurs at a poorly conserved position in the protein, it is predicted to be benign by multiple in silico algorithms, and/or has population frequency not consistent with disease.